The following is an entry in ClinVar:

NM_000719.7(CACNA1C):c.5957G>A (p.Ser1986Asn)

Genes: CACNA1C (calcium voltage-gated channel subunit alpha1 C; plus strand), CACNA1C-AS1 (CACNA1C antisense RNA 1; minus strand). Cytogenetic location: 12p13.33.
Variant type: single nucleotide variant.
Coding change: c.5957G>A on transcript NM_000719.7 (MANE Select); coding-DNA position 5957, G replaced by A.
Protein change: p.Ser1986Asn; replaces serine 1986 with asparagine.
Molecular consequence: missense variant.
Genome position (GRCh38, 1-based): chr12:2,688,619, G>A. VCF-style: chr12-2688619-G-A. GRCh37 (hg19) VCF-style: chr12-2797785-G-A.
Other names: c.6101G>A, p.Ser2034Asn (NM_001129827.2); c.6080G>A, p.Ser2027Asn (NM_001129829.2); c.6062G>A, p.Ser2021Asn (NM_001129830.3, NM_001167624.3); c.6041G>A, p.Ser2014Asn (NM_001129831.2); c.6017G>A, p.Ser2006Asn (NM_001129832.2); c.6014G>A, p.Ser2005Asn (NM_001129833.2, NM_001129834.2, NM_001129835.2); c.6008G>A, p.Ser2003Asn (NM_001129836.2); c.5981G>A, p.Ser1994Asn (NM_001129837.2, NM_001129838.2); and 6 more; short protein forms S2021N, S1986N, S2034N, S1994N, S2027N, S1975N, S1992N, S2003N.
Identifiers: ClinVar variation 411720 (VCV000411720.13), dbSNP rs755280013, ClinGen allele CA6390037.

ClinVar aggregate classification (germline): Conflicting classifications of pathogenicity. Review status: criteria provided, conflicting classifications (1 of 4 stars). 4 submissions from 4 submitters: Uncertain significance (1); Benign (1); Likely benign (2). Last evaluated 2026-01-28.

Conditions:
Long QT syndrome 8. Identifiers: MedGen CN260585, MONDO:0032756, OMIM 618447.
Neurodevelopmental disorder with hypotonia, language delay, and skeletal defects with or without seizures (NEDHLSS). Identifiers: MedGen C5774213, MONDO:0859286, OMIM 620029.
Timothy syndrome (TS). Also called: LONG QT SYNDROME WITH SYNDACTYLY. Identifiers: Orphanet 65283, MedGen C1832916, MeSH C536962, MONDO:0010979, OMIM 601005.
Brugada syndrome 3 (BRGDA3). Identifiers: Orphanet 130, MedGen C2678478, MONDO:0012742, OMIM 611875.
Cardiovascular phenotype. Identifiers: MedGen CN230736.
Long QT syndrome (LQTS). Identifiers: MedGen C0023976, MeSH D008133, MONDO:0002442. Disease mechanism: loss of function. Inheritance: Various modes of inheritance.

Allele frequency attached by ClinVar (database versions not stated): ExAC 0.00001; gnomAD 0.00002; gnomAD exomes 0.00003; TOPMed 0.00004.
gnomAD v4.1: 89 of 1,613,866 alleles (0.0055%); highest among the groups gnomAD compares: Non-Finnish European, 0.0069%; no homozygotes.

Submissions (4):

Labcorp Genetics (formerly Invitae), Labcorp
Classification: Likely benign for Long QT syndrome. Last evaluated: 2026-01-28. Review status: criteria provided, single submitter. Criteria: Invitae Variant Classification Sherloc (09022015). Collection method: clinical testing. Allele origin: germline.

Blueprint Genetics
Classification: Likely benign. Last evaluated: 2024-10-24. Review status: criteria provided, single submitter. Criteria: ACMG Guidelines, 2015. Collection method: clinical testing. Allele origin: germline.

Ambry Genetics
Classification: Benign for Cardiovascular phenotype. Last evaluated: 2024-06-25. Review status: criteria provided, single submitter. Criteria: Ambry Variant Classification Scheme 2023. Collection method: clinical testing. Allele origin: germline.

Clinical Genomics Laboratory, Stanford Medicine
Classification: Uncertain significance for Timothy syndrome; Long QT syndrome 8; Brugada syndrome 3; Neurodevelopmental disorder with hypotonia, language delay, and skeletal defects with or without seizures. Last evaluated: 2023-10-03. Review status: criteria provided, single submitter. Criteria: ACMG Guidelines, 2015. Collection method: clinical testing. Allele origin: germline. Observed: 1 variant allele, 1 heterozygote.
Comment: The p.Ser1986Asn variant in the CACNA1C gene has not been previously reported in association with disease. This variant has been identified in 7/112,700 European (non-Finnish) chromosomes (8/248,836 chromosomes overall) by the Genome Aggregation Database. Although this variant has been seen in the general population, its frequency is low enough to be consistent with the prevalence of autosomal dominant arrhythmogenic disease. This variant is present in ClinVar (Variation ID: VCV000411720.10). The CACNA1C gene has fewer missense variants in the general population than expected. A low rate of missense variation may suggest that this gene is intolerant to missense variation. Computational tools predict that this variant is neither deleterious nor benign; however, the accuracy of in silico algorithms is limited. These data were assessed using the ACMG/AMP variant interpretation guidelines. In summary, the significance of the p.Ser1986Asn variant is uncertain. Additional information is needed to resolve the significance of this variant. [ACMG evidence codes used: PM2, PP2]

Literature cited by the submitters: PubMed 31335548 (cited by Ambry Genetics).